The following is an entry in ClinVar:

ClinVar aggregate classification (germline): Uncertain significance (1 of 4 stars; one submission).

Submission:

GeneDx
Classification: Uncertain significance. Last evaluated: 2023-05-03. Review status: criteria provided, single submitter. Criteria: GeneDx Variant Classification Process June 2021. Collection method: clinical testing. Allele origin: germline. Affected: yes.
Comment: Not observed at significant frequency in large population cohorts (gnomAD); In silico analysis supports that this missense variant has a deleterious effect on protein structure/function; Has not been previously published as pathogenic or benign to our knowledge

NM_001032382.2(PQBP1):c.62A>T (p.Glu21Val)

Genes: PQBP1 (polyglutamine binding protein 1; plus strand), LOC130068256 (ATAC-STARR-seq lymphoblastoid active region 29617; plus strand). Cytogenetic location: Xp11.23.
Variant type: single nucleotide variant.
Coding change: c.62A>T on transcript NM_001032382.2 (MANE Select); coding-DNA position 62, A replaced by T.
Protein change: p.Glu21Val; replaces glutamic acid 21 with valine.
Molecular consequence: missense variant.
Genome position (GRCh38, 1-based): chrX:48,898,571, A>T. VCF-style: chrX-48898571-A-T. GRCh37 (hg19) VCF-style: chrX-48755854-A-T.
Other names: c.62A>T, p.Glu21Val (NM_001032381.2, NM_001032383.2, NM_001032384.1 and 5 more transcripts); short protein forms E21V.
Identifiers: ClinVar variation 2663443 (VCV002663443.1), dbSNP rs2519573406, ClinGen allele CA412886506.
Genomic context (GRCh38, chrX:48,898,571, plus strand): 5'-TGCCGCTGCCCGTTGCGCTGCAGACCCGCTTGGCCAAGAGAGGCATCCTCAAACATCTGG[A>T]GCCTGGTGAGACAGCTAAAAGCAGATGGTCCTAACACGTGCCAGCCTCGACAGGCACTTT-3'
Protein context (NP_001027554.1, residues 11-31): LAKRGILKHL[Glu21Val]PEPEEEIIAE